The following is an entry in ClinVar:

ClinVar aggregate classification (germline): Benign/Likely benign. Review status: criteria provided, multiple submitters, no conflicts (2 of 4 stars). 3 submissions from 3 submitters: Benign (1); Likely benign (2). Last evaluated 2026-01-19.

Conditions:
Atypical hemolytic-uremic syndrome with I factor anomaly. Also called: HEMOLYTIC UREMIC SYNDROME, ATYPICAL, SUSCEPTIBILITY TO, 3; AHUS, SUSCEPTIBILITY TO, 3. Identifiers: Orphanet 2134, MedGen C2752039, MONDO:0013041, OMIM 612923.

Allele frequency attached by ClinVar (database versions not stated): ExAC 0.00004; gnomAD exomes 0.00005 and 0.00018; ESP Exome Variant Server 0.00008; gnomAD 0.00009 and 0.00010; TOPMed 0.00009.
gnomAD v4.1: 280 of 1,614,038 alleles (0.017%); highest among the groups gnomAD compares: Non-Finnish European, 0.022%; no homozygotes.

Submissions (3):

Labcorp Genetics (formerly Invitae), Labcorp
Classification: Likely benign. Last evaluated: 2026-01-19. Review status: criteria provided, single submitter. Criteria: Invitae Variant Classification Sherloc (09022015). Collection method: clinical testing. Allele origin: germline.

Blueprint Genetics
Classification: Likely benign. Last evaluated: 2024-11-20. Review status: criteria provided, single submitter. Criteria: ACMG Guidelines, 2015. Collection method: clinical testing. Allele origin: germline.

Illumina Laboratory Services, Illumina
Classification: Benign for Atypical hemolytic-uremic syndrome with I factor anomaly. Last evaluated: 2018-01-13. Review status: criteria provided, single submitter. Criteria: ICSL Variant Classification Criteria 13 December 2019. Collection method: clinical testing. Allele origin: germline.
Comment: This variant was observed in the ICSL laboratory as part of a predisposition screen in an ostensibly healthy population. It had not been previously curated by ICSL or reported in the Human Gene Mutation Database (HGMD: prior to June 1st, 2018), and was therefore a candidate for classification through an automated scoring system. Utilizing variant allele frequency, disease prevalence and penetrance estimates, and inheritance mode, an automated score was calculated to assess if this variant is too frequent to cause the disease. Based on the score and internal cut-off values, a variant classified as benign is not then subjected to further curation. The score for this variant resulted in a classification of benign for this disease.

NM_000204.5(CFI):c.405T>C (p.Asp135=)

Gene: CFI (complement factor I; minus strand). Cytogenetic location: 4q25.
Variant type: single nucleotide variant.
Coding change: c.405T>C on transcript NM_000204.5 (MANE Select); coding-DNA position 405, T replaced by C.
Protein change: p.Asp135=; no amino-acid change (aspartic acid 135 retained).
Molecular consequence: synonymous variant. On other transcripts: non-coding transcript variant (3), intron variant (1).
Genome position (GRCh38, 1-based): chr4:109,764,614, A>G on the plus strand (T>C on the coding strand, the complement: CFI is on the minus strand). VCF-style: chr4-109764614-A-G. GRCh37 (hg19) VCF-style: chr4-110685770-A-G.
Other names: c.405T>C, p.Asp135= (NM_001318057.2, NM_001331035.2, NM_001375278.1 and 5 more transcripts); c.-127-2922T>C (NM_001375284.1).
Identifiers: ClinVar variation 347172 (VCV000347172.13), dbSNP rs375792874, ClinGen allele CA3042282.